The following is an entry in ClinVar:

ClinVar aggregate classification (germline): Uncertain significance (1 of 4 stars; one submission).

Conditions:
Purine-nucleoside phosphorylase deficiency. Also called: Immunodeficiency due to purine nucleoside phosphorylase deficiency; NUCLEOSIDE PHOSPHORYLASE DEFICIENCY. Identifiers: Orphanet 760, MedGen C0268125, MONDO:0013171, OMIM 613179.

Allele frequency attached by ClinVar (database versions not stated): ExAC 0.00001; gnomAD exomes 0.00001; TOPMed 0.00001.
gnomAD v4.1: 12 of 1,614,158 alleles (0.00074%); highest among the groups gnomAD compares: South Asian, 0.0044%; no homozygotes.

Submission:

Labcorp Genetics (formerly Invitae), Labcorp
Classification: Uncertain significance for Purine-nucleoside phosphorylase deficiency. Last evaluated: 2019-07-15. Review status: criteria provided, single submitter. Criteria: Invitae Variant Classification Sherloc (09022015). Collection method: clinical testing. Allele origin: germline.
Comment: This sequence change replaces arginine with cysteine at codon 133 of the PNP protein (p.Arg133Cys). The arginine residue is moderately conserved and there is a large physicochemical difference between arginine and cysteine. This variant is present in population databases (rs776537078, ExAC 0.006%). This variant has not been reported in the literature in individuals with PNP-related conditions. Algorithms developed to predict the effect of missense changes on protein structure and function output the following: SIFT: "Deleterious"; PolyPhen-2: "Benign"; Align-GVGD: "Class C0". The cysteine amino acid residue is found in multiple mammalian species, suggesting that this missense change does not adversely affect protein function. These predictions have not been confirmed by published functional studies and their clinical significance is uncertain. In summary, the available evidence is currently insufficient to determine the role of this variant in disease. Therefore, it has been classified as a Variant of Uncertain Significance.

NM_000270.4(PNP):c.397C>T (p.Arg133Cys)

Gene: PNP (purine nucleoside phosphorylase; plus strand). Cytogenetic location: 14q11.2.
Variant type: single nucleotide variant.
Coding change: c.397C>T on transcript NM_000270.4 (MANE Select); coding-DNA position 397, C replaced by T.
Protein change: p.Arg133Cys; replaces arginine 133 with cysteine.
Molecular consequence: missense variant.
Genome position (GRCh38, 1-based): chr14:20,474,884, C>T. VCF-style: chr14-20474884-C-T. GRCh37 (hg19) VCF-style: chr14-20943043-C-T.
Other names: short protein forms R133C.
Identifiers: ClinVar variation 933923 (VCV000933923.1), dbSNP rs776537078, ClinGen allele CA7082109.